The following is an entry in ClinVar:

ClinVar aggregate classification (germline): Uncertain significance. Review status: criteria provided, multiple submitters, no conflicts (2 of 4 stars). 2 submissions from 2 submitters: Uncertain significance (2). Last evaluated 2026-03-21.

Conditions:
Cardiovascular phenotype. Identifiers: MedGen CN230736.
Hypertrophic cardiomyopathy. Also called: HYPERTROPHIC MYOCARDIOPATHY. Identifiers: Orphanet 217569, MedGen C0007194, MeSH D002312, MONDO:0005045, HP:0001639.

Submissions (2):

Ambry Genetics
Classification: Uncertain significance for Cardiovascular phenotype. Last evaluated: 2026-03-21. Review status: criteria provided, single submitter. Criteria: Ambry Variant Classification Scheme 2023. Collection method: clinical testing. Allele origin: germline.
Comment: The p.D78N variant (also known as c.232G>A), located in coding exon 3 of the MYL3 gene, results from a G to A substitution at nucleotide position 232. The aspartic acid at codon 78 is replaced by asparagine, an amino acid with highly similar properties. This amino acid position is conserved. In addition, this alteration is predicted to be tolerated by in silico analysis. Based on the available evidence, the clinical significance of this variant remains unclear.

All of Us Research Program, National Institutes of Health
Classification: Uncertain significance for Hypertrophic cardiomyopathy. Last evaluated: 2023-03-28. Review status: criteria provided, single submitter. Criteria: ACMG Guidelines, 2015. Collection method: clinical testing. Allele origin: germline. Inheritance: Autosomal dominant inheritance. Observed: 1 variant allele, 1 heterozygote.
Comment: This study involves interpretation of variants in research participants for the purpose of population health screening. Participant phenotype was not available at the time of variant classification. Additional details can be found in publication PMID: 35346344, PMCID: PMC8962531

NM_000258.3(MYL3):c.232G>A (p.Asp78Asn)

Gene: MYL3 (myosin light chain 3; minus strand). Cytogenetic location: 3p21.31.
Variant type: single nucleotide variant.
Coding change: c.232G>A on transcript NM_000258.3 (MANE Select); coding-DNA position 232, G replaced by A.
Protein change: p.Asp78Asn; replaces aspartic acid 78 with asparagine.
Molecular consequence: missense variant.
Genome position (GRCh38, 1-based): chr3:46,860,751, C>T on the plus strand (G>A on the coding strand, the complement: MYL3 is on the minus strand). VCF-style: chr3-46860751-C-T. GRCh37 (hg19) VCF-style: chr3-46902241-C-T.
Other names: c.232G>A, p.Asp78Asn (NM_001406937.1, NM_001406938.1, NM_001406939.1); c.58G>A, p.Asp20Asn (NM_001406940.1, NM_001406941.1); short protein forms D20N, D78N.
Identifiers: ClinVar variation 3075511 (VCV003075511.2), dbSNP rs1204495577, ClinGen allele CA352498247.